The following is an entry in ClinVar:

ClinVar aggregate classification (germline): Uncertain significance (1 of 4 stars; one submission).

Conditions:
Charcot-Marie-Tooth disease axonal type 2O. Also called: CHARCOT-MARIE-TOOTH NEUROPATHY, AXONAL, TYPE 2O; CHARCOT-MARIE-TOOTH DISEASE, AXONAL, AUTOSOMAL DOMINANT, TYPE 2O; Charcot-Marie-Tooth Neuropathy Type 2O; Charcot-Marie-Tooth disease, axonal, type 20. Identifiers: Orphanet 284232, MedGen C3280220, MONDO:0013644, OMIM 614228.

Submission:

Labcorp Genetics (formerly Invitae), Labcorp
Classification: Uncertain significance for Charcot-Marie-Tooth disease axonal type 2O. Last evaluated: 2021-01-12. Review status: criteria provided, single submitter. Criteria: Invitae Variant Classification Sherloc (09022015). Collection method: clinical testing. Allele origin: germline.
Comment: In summary, the available evidence is currently insufficient to determine the role of this variant in disease. Therefore, it has been classified as a Variant of Uncertain Significance. Algorithms developed to predict the effect of missense changes on protein structure and function are either unavailable or do not agree on the potential impact of this missense change (SIFT: "Deleterious"; PolyPhen-2: "Probably Damaging"; Align-GVGD: "Class C0"). This variant has not been reported in the literature in individuals with DYNC1H1-related conditions. This variant is not present in population databases (ExAC no frequency). This sequence change replaces proline with alanine at codon 2590 of the DYNC1H1 protein (p.Pro2590Ala). The proline residue is highly conserved and there is a small physicochemical difference between proline and alanine.

NM_001376.5(DYNC1H1):c.7768C>G (p.Pro2590Ala)

Gene: DYNC1H1 (dynein cytoplasmic 1 heavy chain 1; plus strand). Cytogenetic location: 14q32.31.
Variant type: single nucleotide variant.
Coding change: c.7768C>G on transcript NM_001376.5 (MANE Select); coding-DNA position 7768, C replaced by G.
Protein change: p.Pro2590Ala; replaces proline 2590 with alanine.
Molecular consequence: missense variant.
Genome position (GRCh38, 1-based): chr14:102,016,919, C>G. VCF-style: chr14-102016919-C-G. GRCh37 (hg19) VCF-style: chr14-102483256-C-G.
Other names: short protein forms P2590A.
Identifiers: ClinVar variation 1364383 (VCV001364383.8), dbSNP rs2152582733, ClinGen allele CA391002902.